The following is an entry in ClinVar:

ClinVar aggregate classification (germline): Conflicting classifications of pathogenicity. Review status: criteria provided, conflicting classifications (1 of 4 stars). 6 submissions from 6 submitters: Uncertain significance (1); Benign (1); Likely benign (3). 1 of the submissions does not count toward it. Last evaluated 2026-01-13.

Conditions:
FANCI-related disorder. Also called: FANCI-related condition.
Fanconi anemia (FA). Also called: Fanconi's anemia. Identifiers: Orphanet 84, MedGen C0015625, MeSH D005199, MONDO:0019391.
Fanconi anemia complementation group I (FANCI). Also called: FANCI-Related Fanconi Anemia. Identifiers: Orphanet 84, MedGen C1836861, MONDO:0012186, OMIM 609053.

Allele frequency attached by ClinVar (database versions not stated): gnomAD exomes 0.00011 and 0.00029; ExAC 0.00032; 1000 Genomes Project 0.00080; 1000 Genomes Project 30x 0.00094; gnomAD 0.00118 and 0.00131; TOPMed 0.00138; ESP Exome Variant Server 0.00154.
gnomAD v4.1: 340 of 1,611,274 alleles (0.021%); highest among the groups gnomAD compares: African/African-American, 0.42%; 1 homozygote.

Submissions (6):

Labcorp Genetics (formerly Invitae), Labcorp
Classification: Benign for Fanconi anemia. Last evaluated: 2026-01-13. Review status: criteria provided, single submitter. Criteria: Invitae Variant Classification Sherloc (09022015). Collection method: clinical testing. Allele origin: germline.

Blueprint Genetics
Classification: Likely benign. Last evaluated: 2024-11-25. Review status: criteria provided, single submitter. Criteria: ACMG Guidelines, 2015. Collection method: clinical testing. Allele origin: germline.

Sema4
Classification: Likely benign for Fanconi anemia. Last evaluated: 2021-12-17. Review status: criteria provided, single submitter. Criteria: Sema4 Curation Guidelines. Collection method: curation. Allele origin: germline.

Genetic Services Laboratory, University of Chicago
Classification: Likely benign. Last evaluated: 2019-10-04. Review status: criteria provided, single submitter. Criteria: ACMG Guidelines, 2015. Collection method: clinical testing. Allele origin: germline. Affected: no.

Illumina Laboratory Services, Illumina
Classification: Uncertain significance for Fanconi anemia complementation group I. Last evaluated: 2018-01-13. Review status: criteria provided, single submitter. Criteria: ICSL Variant Classification Criteria 13 December 2019. Collection method: clinical testing. Allele origin: germline.

PreventionGenetics, part of Exact Sciences
Classification: Likely benign for FANCI-related condition. Last evaluated: 2019-03-20. Review status: no assertion criteria provided. Collection method: clinical testing. Allele origin: germline. Not counted in ClinVar's aggregate classification.
Comment: This variant is classified as likely benign based on ACMG/AMP sequence variant interpretation guidelines (Richards et al. 2015 PMID: 25741868, with internal and published modifications).

NM_001113378.2(FANCI):c.3660T>C (p.Ser1220=)

Gene: FANCI (FA complementation group I; plus strand). Cytogenetic location: 15q26.1.
Variant type: single nucleotide variant.
Coding change: c.3660T>C on transcript NM_001113378.2 (MANE Select); coding-DNA position 3660, T replaced by C.
Protein change: p.Ser1220=; no amino-acid change (serine 1220 retained).
Molecular consequence: synonymous variant.
Genome position (GRCh38, 1-based): chr15:89,312,912, T>C. VCF-style: chr15-89312912-T-C. GRCh37 (hg19) VCF-style: chr15-89856143-T-C.
Other names: c.3381T>C, p.Ser1127= (NM_001376910.1); c.3660T>C, p.Ser1220= (NM_001376911.1); c.3480T>C, p.Ser1160= (NM_018193.3).
Identifiers: ClinVar variation 414872 (VCV000414872.21), dbSNP rs116380142, ClinGen allele CA7723827.